The following is an entry in ClinVar:

NM_002506.3(NGF):c.109T>C (p.Trp37Arg)

Genes: NGF (nerve growth factor; minus strand), NGF-AS1 (NGF antisense RNA 1; plus strand). Cytogenetic location: 1p13.2.
Variant type: single nucleotide variant.
Coding change: c.109T>C on transcript NM_002506.3 (MANE Select); coding-DNA position 109, T replaced by C.
Protein change: p.Trp37Arg; replaces tryptophan 37 with arginine.
Molecular consequence: missense variant.
Genome position (GRCh38, 1-based): chr1:115,286,687, A>G on the plus strand (T>C on the coding strand, the complement: NGF is on the minus strand). VCF-style: chr1-115286687-A-G. GRCh37 (hg19) VCF-style: chr1-115829308-A-G.
Other names: short protein forms W37R.
Identifiers: ClinVar variation 655197 (VCV000655197.7), dbSNP rs770843971, ClinGen allele CA1023066.

ClinVar aggregate classification (germline): Uncertain significance (1 of 4 stars; one submission).

Conditions:
Congenital sensory neuropathy with selective loss of small myelinated fibers (HSAN5). Also called: HSAN Type V. Identifiers: Orphanet 64752, MedGen C0020075, MONDO:0012092, OMIM 608654.

Allele frequency attached by ClinVar (database versions not stated): gnomAD exomes below 0.00001 and 0.00001; TOPMed below 0.00001; ExAC 0.00002.

Submission:

Labcorp Genetics (formerly Invitae), Labcorp
Classification: Uncertain significance for Congenital sensory neuropathy with selective loss of small myelinated fibers. Last evaluated: 2021-01-12. Review status: criteria provided, single submitter. Criteria: Invitae Variant Classification Sherloc (09022015). Collection method: clinical testing. Allele origin: germline.
Comment: This sequence change replaces tryptophan with arginine at codon 37 of the NGF protein (p.Trp37Arg). The tryptophan residue is moderately conserved and there is a moderate physicochemical difference between tryptophan and arginine. This variant is present in population databases (rs770843971, ExAC 0.003%). This variant has not been reported in the literature in individuals with NGF-related disease. Algorithms developed to predict the effect of missense changes on protein structure and function output the following: SIFT: "Tolerated"; PolyPhen-2: "Benign"; Align-GVGD: "Class C0". The arginine amino acid residue is found in multiple mammalian species, suggesting that this missense change does not adversely affect protein function. These predictions have not been confirmed by published functional studies and their clinical significance is uncertain. In summary, the available evidence is currently insufficient to determine the role of this variant in disease. Therefore, it has been classified as a Variant of Uncertain Significance.